The following is an entry in ClinVar:

NM_198253.3(TERT):c.1282C>T (p.Arg428Trp)

Gene: TERT (telomerase reverse transcriptase; minus strand). Cytogenetic location: 5p15.33.
Variant type: single nucleotide variant.
Coding change: c.1282C>T on transcript NM_198253.3 (MANE Select); coding-DNA position 1282, C replaced by T.
Protein change: p.Arg428Trp; replaces arginine 428 with tryptophan.
Molecular consequence: missense variant. On other transcripts: non-coding transcript variant (2).
Genome position (GRCh38, 1-based): chr5:1,293,604, G>A on the plus strand (C>T on the coding strand, the complement: TERT is on the minus strand). VCF-style: chr5-1293604-G-A. GRCh37 (hg19) VCF-style: chr5-1293719-G-A.
Other names: c.1282C>T (NM_198253.2); c.1282C>T, p.Arg428Trp (NM_001193376.3); short protein forms R428W.
Identifiers: ClinVar variation 1447905 (VCV001447905.8), dbSNP rs1400139919, ClinGen allele CA359086374.

ClinVar aggregate classification (germline): Uncertain significance. Review status: criteria provided, multiple submitters, no conflicts (2 of 4 stars). 2 submissions from 2 submitters: Uncertain significance (2). Last evaluated 2024-12-08.

Conditions:
Dyskeratosis congenita, autosomal dominant 2. Identifiers: MedGen C3151443, MONDO:0013521, OMIM 613989.
Idiopathic Pulmonary Fibrosis. Also called: Idiopathic fibrosing alveolitis, chronic form; idiopathic fibrosing alveolitis. Identifiers: Orphanet 2032, MedGen C1800706, MeSH D054990, MONDO:0800504.
Dyskeratosis congenita. Identifiers: Orphanet 1775, MedGen C0265965, MONDO:0015780.

Allele frequency attached by ClinVar (database versions not stated): gnomAD exomes below 0.00001; TOPMed below 0.00001; gnomAD 0.00001.
gnomAD v4.1: 2 of 1,548,566 alleles (0.00013%); highest among the groups gnomAD compares: East Asian, 0.0024%; no homozygotes.

Submissions (2):

Ambry Genetics
Classification: Uncertain significance for Dyskeratosis congenita. Last evaluated: 2024-12-08. Review status: criteria provided, single submitter. Criteria: Ambry Variant Classification Scheme 2023. Collection method: clinical testing. Allele origin: germline.
Comment: The p.R428W variant (also known as c.1282C>T), located in coding exon 2 of the TERT gene, results from a C to T substitution at nucleotide position 1282. The arginine at codon 428 is replaced by tryptophan, an amino acid with dissimilar properties. This amino acid position is conserved. In addition, this alteration is predicted to be tolerated by in silico analysis. Based on the available evidence, the clinical significance of this variant remains unclear.

Labcorp Genetics (formerly Invitae), Labcorp
Classification: Uncertain significance for Dyskeratosis congenita, autosomal dominant 2; Idiopathic Pulmonary Fibrosis. Last evaluated: 2024-06-12. Review status: criteria provided, single submitter. Criteria: Invitae Variant Classification Sherloc (09022015). Collection method: clinical testing. Allele origin: germline.
Comment: This sequence change replaces arginine, which is basic and polar, with tryptophan, which is neutral and slightly polar, at codon 428 of the TERT protein (p.Arg428Trp). This variant is not present in population databases (gnomAD no frequency). This variant has not been reported in the literature in individuals affected with TERT-related conditions. ClinVar contains an entry for this variant (Variation ID: 1447905). Advanced modeling of protein sequence and biophysical properties (such as structural, functional, and spatial information, amino acid conservation, physicochemical variation, residue mobility, and thermodynamic stability) has been performed at Invitae for this missense variant, however the output from this modeling did not meet the statistical confidence thresholds required to predict the impact of this variant on TERT protein function. In summary, the available evidence is currently insufficient to determine the role of this variant in disease. Therefore, it has been classified as a Variant of Uncertain Significance.